The following is an entry in ClinVar:

ClinVar aggregate classification (germline): Benign (0 of 4 stars; one submission).

Conditions:
JMJD7-PLA2G4B-related disorder. Also called: JMJD7-PLA2G4B-related condition.

Allele frequency attached by ClinVar (database versions not stated): ExAC 0.00410; gnomAD 0.01303; TOPMed 0.01458; ESP Exome Variant Server 0.01530; 1000 Genomes Project 0.01558; 1000 Genomes Project 30x 0.01686.
gnomAD v4.1: 3,835 of 1,613,626 alleles (0.24%); highest among the groups gnomAD compares: African/African-American, 4.5%; 82 homozygotes.

Submission:

PreventionGenetics, part of Exact Sciences
Classification: Benign for JMJD7-PLA2G4B-related condition. Last evaluated: 2019-02-22. Review status: no assertion criteria provided. Collection method: clinical testing. Allele origin: germline.
Comment: This variant is classified as benign based on ACMG/AMP sequence variant interpretation guidelines (Richards et al. 2015 PMID: 25741868, with internal and published modifications).

NM_005090.4(JMJD7-PLA2G4B):c.2856A>G (p.Ala952=)

Genes: JMJD7-PLA2G4B (JMJD7-PLA2G4B readthrough; plus strand), PLA2G4B (phospholipase A2 group IVB; plus strand). Cytogenetic location: 15q15.1.
Variant type: single nucleotide variant.
Coding change: c.2856A>G on transcript NM_005090.4; coding-DNA position 2856, A replaced by G.
Protein change: p.Ala952=; no amino-acid change (alanine 952 retained).
Molecular consequence: synonymous variant. On other transcripts: missense variant (1).
Genome position (GRCh38, 1-based): chr15:41,847,677, A>G. VCF-style: chr15-41847677-A-G. GRCh37 (hg19) VCF-style: chr15-42139875-A-G.
Other names: c.2163A>G, p.Ala721= (NM_001114633.2); c.2669A>G, p.Gln890Arg (NM_001198588.2); short protein forms Q890R.
Identifiers: ClinVar variation 3050051 (VCV003050051.2), dbSNP rs34424865, ClinGen allele CA7500495.